The following is an entry in ClinVar:

ClinVar aggregate classification (germline): Benign. Review status: criteria provided, single submitter (1 of 4 stars). 2 submissions from 2 submitters: Benign (1). 1 of the submissions does not count toward it. Last evaluated 2019-12-31.

Conditions:
HDLBP-related disorder. Also called: HDLBP-related condition.

Allele frequency attached by ClinVar (database versions not stated): gnomAD exomes 0.00051 and 0.00131; ExAC 0.00148; ESP Exome Variant Server 0.00500; gnomAD 0.00513 and 0.00551; TOPMed 0.00590; 1000 Genomes Project 0.00599; 1000 Genomes Project 30x 0.00640.
gnomAD v4.1: 1,568 of 1,613,176 alleles (0.097%); highest among the groups gnomAD compares: African/African-American, 1.8%; 18 homozygotes.

Submissions (2):

Labcorp Genetics (formerly Invitae), Labcorp
Classification: Benign. Last evaluated: 2019-12-31. Review status: criteria provided, single submitter. Criteria: Invitae Variant Classification Sherloc (09022015). Collection method: clinical testing. Allele origin: germline.

PreventionGenetics, part of Exact Sciences
Classification: Benign for HDLBP-related condition. Last evaluated: 2019-03-08. Review status: no assertion criteria provided. Collection method: clinical testing. Allele origin: germline. Not counted in ClinVar's aggregate classification.
Comment: This variant is classified as benign based on ACMG/AMP sequence variant interpretation guidelines (Richards et al. 2015 PMID: 25741868, with internal and published modifications).

NM_005336.6(HDLBP):c.2391+9C>T

Genes: ANO7 (anoctamin 7; plus strand), HDLBP (high density lipoprotein binding protein; minus strand). Cytogenetic location: 2q37.3.
Variant type: single nucleotide variant.
Coding change: c.2391+9C>T on transcript NM_005336.6 (MANE Select); 9 bases into the intron after coding-DNA position 2391, C replaced by T.
Molecular consequence: intron variant.
Genome position (GRCh38, 1-based): chr2:241,239,892, G>A on the plus strand (C>T on the coding strand, the complement: HDLBP is on the minus strand). VCF-style: chr2-241239892-G-A. GRCh37 (hg19) VCF-style: chr2-242179307-G-A.
Other names: c.2391+9C>T (NM_001320965.3, NM_001320967.3, NM_203346.6 and 2 more transcripts); c.2292+9C>T (NM_001243900.3).
Identifiers: ClinVar variation 791389 (VCV000791389.6), dbSNP rs143391993, ClinGen allele CA2216378.
Genomic context (GRCh38, chr2:241,239,892, plus strand): 5'-AGAAGAGATGGAAGATAAGCCACCCCATCACGGCCCCAGCAGAGTCGGCCGCCGAGGCCC[G>A]CTCCCTACCAGGTTTTGGATCAAGGCCTCCAGCTCCTTCTGTGCCTCTCGGACGGCGTCC-3'